The following is an entry in ClinVar:

ClinVar aggregate classification (germline): Uncertain significance (1 of 4 stars; one submission).

Submission:

Dasa
Classification: Uncertain significance. Last evaluated: 2026-03-05. Review status: criteria provided, single submitter. Criteria: DASA Assertion Criteria. Collection method: clinical testing. Allele origin: germline.
Comment: NM_001379451.1(BCORL1):c.20_32del (p.Leu7Argfs*105) is a frameshift variant in BCORL1 predicted to alter the reading frame and introduce a premature termination codon and is predicted to result in an absent or altered protein product. This variant is rare in population databases. The currently available literature and clinical evidence are not sufficient to establish a definitive association between this variant and the reported condition. Therefore, this variant is classified as a variant of uncertain significance.

NM_001379451.1(BCORL1):c.20_32del (p.Leu7fs)

Gene: BCORL1 (BCL6 corepressor like 1; plus strand). Cytogenetic location: Xq26.1.
Variant type: Deletion.
Coding change: c.20_32del on transcript NM_001379451.1 (MANE Select); coding-DNA positions 20 to 32, 13 bases deleted (TCTACAGCGGCGT).
Protein change: p.Leu7fs; shifts the reading frame from leucine 7.
Molecular consequence: frameshift variant.
Genome position (GRCh38, 1-based): chrX:130,005,251-130,005,263, TCTACAGCGGCGT deleted. VCF-style (leftmost placement, unchanged base first): chrX-130005250-CTCTACAGCGGCGT-C. GRCh37 (hg19) VCF-style: chrX-129139226-CTCTACAGCGGCGT-C.
Other names: c.20_32del, p.Leu7fs (NM_001184772.3, NM_001379450.1, NM_001441326.1 and 7 more transcripts); short protein forms L7fs.
Identifiers: ClinVar variation 4886367 (VCV004886367.2).
Genomic context (GRCh38, chrX:130,005,250, plus strand): 5'-GGAGTGGCCACAGCAGGTCCTATCTGGTGGTGAGTGGCTGTCATGATCTCTACAGCACCG[CTCTACAGCGGCGT>C]GCACAACTGGACCAGTTCTGACCGGATTCGCATGTGTGGCATCAACGAGGAGAGGTGAGG-3'